The following is an entry in ClinVar:

ClinVar aggregate classification (germline): Conflicting classifications of pathogenicity. Review status: criteria provided, conflicting classifications (1 of 4 stars). 20 submissions from 20 submitters: Uncertain significance (2); Benign (5); Likely benign (8). 5 of the submissions do not count toward it. Last evaluated 2026-04-01.

Conditions:
POLD1-related disorder. Also called: POLD1-related disorders; POLD1-related condition.
Hereditary cancer-predisposing syndrome. Also called: Neoplastic Syndromes, Hereditary; Hereditary Cancer Syndrome; Tumor predisposition; Hereditary neoplastic syndrome. Identifiers: Orphanet 140162, MedGen C0027672, MeSH D009386, MONDO:0015356.
POLD1-related polyposis and colorectal cancer syndrome (CRCS10). Also called: Colorectal cancer 10; Colorectal cancer, susceptibility to, 10; COLORECTAL CANCER, SUSCEPTIBILITY TO, ON CHROMOSOME 19q. Identifiers: Orphanet 220460, MedGen C2675481, MONDO:0012953, OMIM 612591.
Malignant tumor of breast. Also called: Malignant breast neoplasm; Cancer breast. Identifiers: MedGen C0006142, MONDO:0007254. Disease mechanism: loss of function.

Allele frequency attached by ClinVar (database versions not stated): gnomAD exomes 0.00184 and 0.00112; 1000 Genomes Project 0.00100; 1000 Genomes Project 30x 0.00109; gnomAD 0.00110 and 0.00111; TOPMed 0.00129; ESP Exome Variant Server 0.00131; ExAC 0.00174.

Submissions (20):

CeGaT Center for Human Genetics Tuebingen
Classification: Likely benign. Last evaluated: 2026-04-01. Review status: criteria provided, single submitter. Criteria: CeGaT Center For Human Genetics Tuebingen Variant Classification Criteria Version 2. Collection method: clinical testing. Allele origin: germline. Affected: yes. Observed: 19 variant alleles.
Comment: POLD1: BS2

Labcorp Genetics (formerly Invitae), Labcorp
Classification: Benign for POLD1-related polyposis and colorectal cancer syndrome. Last evaluated: 2026-02-03. Review status: criteria provided, single submitter. Criteria: Invitae Variant Classification Sherloc (09022015). Collection method: clinical testing. Allele origin: germline.

Dasa
Classification: Likely benign. Last evaluated: 2025-11-20. Review status: criteria provided, single submitter. Criteria: DASA Assertion Criteria. Collection method: clinical testing. Allele origin: germline.
Comment: NM_002691.4(POLD1):c.2275G>A (p.Val759Ile) is a missense variant that results in the substitution of valine with isoleucine. Population frequency is inconsistent with a disease-causing role for this variant, and observations in unaffected individuals support a benign interpretation. Therefore, based on the currently available evidence, this variant is classified as likely benign.

ARUP Laboratories, Molecular Genetics and Genomics, ARUP Laboratories
Classification: Benign. Last evaluated: 2025-07-15. Review status: criteria provided, single submitter. Criteria: ARUP Molecular Germline Variant Investigation Process 2024. Collection method: clinical testing. Allele origin: germline.

Mayo Clinic Laboratories, Mayo Clinic
Classification: Uncertain significance. Last evaluated: 2025-07-02. Review status: criteria provided, single submitter. Criteria: ACMG Guidelines, 2015. Collection method: clinical testing. Allele origin: germline. Observed: 2 variant alleles.
Comment: BS1

Center for Genomic Medicine, Rigshospitalet, Copenhagen University Hospital
Classification: Uncertain significance. Last evaluated: 2025-03-04. Review status: criteria provided, single submitter. Criteria: ACMG Guidelines, 2015. Collection method: clinical testing. Allele origin: germline.

Women's Health and Genetics/Laboratory Corporation of America, LabCorp
Classification: Likely benign. Last evaluated: 2022-02-26. Review status: criteria provided, single submitter. Criteria: LabCorp Variant Classification Summary - May 2015. Collection method: clinical testing. Allele origin: germline.

Sema4
Classification: Benign for Hereditary cancer-predisposing syndrome. Last evaluated: 2020-10-20. Review status: criteria provided, single submitter. Criteria: Sema4 Curation Guidelines. Collection method: curation. Allele origin: germline.

GeneDx
Classification: Benign. Last evaluated: 2019-07-23. Review status: criteria provided, single submitter. Criteria: GeneDx Variant Classification Process June 2021. Collection method: clinical testing. Allele origin: germline. Affected: yes.
Comment: This variant is associated with the following publications: (PMID: 25986922, 25822476, 23376243, 27153395, 30086056)

Mendelics
Classification: Likely benign for POLD1-related polyposis and colorectal cancer syndrome. Last evaluated: 2019-05-28. Review status: criteria provided, single submitter. Criteria: Mendelics Assertion Criteria 2017. Collection method: clinical testing. Allele origin: unknown.

Genetic Services Laboratory, University of Chicago
Classification: Benign. Last evaluated: 2018-11-14. Review status: criteria provided, single submitter. Criteria: ACMG Guidelines, 2015. Collection method: clinical testing. Allele origin: germline. Affected: no.

Quest Diagnostics Nichols Institute San Juan Capistrano
Classification: Likely benign. Last evaluated: 2017-04-18. Review status: criteria provided, single submitter. Criteria: Quest Diagnostics criteria. Collection method: clinical testing. Allele origin: germline.

Laboratory for Molecular Medicine, Mass General Brigham Personalized Medicine
Classification: Likely benign. Last evaluated: 2016-12-02. Review status: criteria provided, single submitter. Criteria: LMM Criteria. Collection method: clinical testing. Allele origin: germline.
Comment: Variant identified in a genome or exome case(s) and assessed due to predicted null impact of the variant or pathogenic assertions in the literature or databases. Disclaimer: This variant has not undergone full assessment. The following are preliminary notes: This variant is present in ExAC with a MaxMAF of 0.242% (35 South Asian and 150 European alleles) and 2% in gnomAD (207 Ashkenazi alleles - too high for disease prevalence). It is classified in ClinVar with 1 star as Likely benign by 2 submitters (Invitae, Vantari) and as VUS by GeneDx.

Ambry Genetics
Classification: Likely benign for Hereditary cancer-predisposing syndrome. Last evaluated: 2016-11-04. Review status: criteria provided, single submitter. Criteria: Ambry Variant Classification Scheme 2023. Collection method: clinical testing. Allele origin: germline.

Vantari Genetics
Classification: Likely benign for Hereditary cancer-predisposing syndrome. Last evaluated: 2015-10-26. Review status: criteria provided, single submitter. Criteria: ACMG Guidelines, 2015. Collection method: clinical testing. Allele origin: germline.

PreventionGenetics, part of Exact Sciences
Classification: Benign for POLD1-related condition. Last evaluated: 2019-08-26. Review status: no assertion criteria provided. Collection method: clinical testing. Allele origin: germline. Not counted in ClinVar's aggregate classification.
Comment: This variant is classified as benign based on ACMG/AMP sequence variant interpretation guidelines (Richards et al. 2015 PMID: 25741868, with internal and published modifications).

True Health Diagnostics
Classification: Likely benign for Hereditary cancer-predisposing syndrome. Last evaluated: 2017-09-29. Review status: no assertion criteria provided. Collection method: clinical testing. Allele origin: germline. Not counted in ClinVar's aggregate classification.

Counsyl
Classification: Uncertain significance for POLD1-related polyposis and colorectal cancer syndrome. Last evaluated: 2016-07-25. Review status: no assertion criteria provided. Collection method: clinical testing. Allele origin: unknown. Not counted in ClinVar's aggregate classification.

Center of Medical Genetics and Primary Health Care
Classification: Benign for Breast Cancer. Review status: no assertion criteria provided. Collection method: clinical testing. Allele origin: germline. Affected: yes. Not counted in ClinVar's aggregate classification.

Department of Pathology and Laboratory Medicine, Sinai Health System
Classification: Benign. Review status: no assertion criteria provided. Collection method: clinical testing. Allele origin: unknown. Affected: yes. Study: The Canadian Open Genetics Repository (COGR). Not counted in ClinVar's aggregate classification.
Comment: The POLD1 p.Val759Ile variant was identified in 4 of 84 proband chromosomes (frequency: 0.0476) from individuals or families with early-onset colon cancer (Rosner_2015). The variant was also identified in dbSNP (ID: rs145473716) as â€šÃ„ÃºWith other alleleâ€šÃ„Ã¹, ClinVar (as benign by Invitae, as likely benign by Vantari Genetics, GeneDx, Partners Health Care Personalized Medicine, Quest Diagnostics, and Ambry Genetics, and as uncertain significance by Counsyl), Clinvitae (3x), and Cosmic (in somatic tumours in the large intestine and central nervous system). The variant was not identified in the MutDB database. The variant was identified in control databases in 461 of 273426 chromosomes (8 homozygous) at a frequency of 0.001686 increasing the likelihood this could be a low frequency benign variant (Genome Aggregation Database Feb 27, 2017). Breakdown of the observations by population include African in 1 of 24014 chromosomes (freq: 0.000042), Other in 12 of 6404 chromosomes (freq: 0.001874), Latino in 21 of 34128 chromosomes (freq: 0.000615), European (Non-Finnish) in 116 of 125376 chromosomes (freq: 0.000925), Ashkenazi Jewish in 209 of 9996 chromosomes (freq: 0.02091), East Asian in 19 of 18792 chromosomes (freq: 0.001011), and South Asian in 83 of 30524 chromosomes (freq: 0.002719), while the variant was not observed in the European (Finnish) populations. Interestingly, in a study of genetic variants that cause longevity, the p.Val759Ile variant was found in 14 controls and 17 centenarians (individuals over 105 years old) (Han_2013_23376243). The p.Val759 residue is conserved in mammals and computational analyses (PolyPhen-2, SIFT, AlignGVGD, BLOSUM, MutationTaster) provide inconsistent predictions regarding the impact to the protein; this information is not very predictive of pathogenicity. The variant occurs outside of the splicing consensus sequence and in silico or computational prediction software programs (SpliceSiteFinder, MaxEntScan, NNSPLICE, GeneSplicer, HumanSpliceFinder) do not predict a difference in splicing. In summary, based on the above information this variant meets our laboratory's criteria to be classified as benign.

Literature cited by the submitters: PubMed 30086056 (cited by Mayo Clinic Laboratories, Mayo Clinic and Center for Genomic Medicine, Rigshospitalet, Copenhagen University Hospital); PubMed 32635641 (cited by Mayo Clinic Laboratories, Mayo Clinic); PubMed 37095444 (cited by Mayo Clinic Laboratories, Mayo Clinic); PubMed 23376243 (cited by 3 submitters); PubMed 27535533 (cited by Ambry Genetics); PubMed 27153395 (cited by Counsyl); PubMed 24123366 (cited by Counsyl).

NM_002691.4(POLD1):c.2275G>A (p.Val759Ile)

Gene: POLD1 (DNA polymerase delta 1, catalytic subunit; plus strand). Cytogenetic location: 19q13.33.
Variant type: single nucleotide variant.
Coding change: c.2275G>A on transcript NM_002691.4 (MANE Select); coding-DNA position 2275, G replaced by A.
Protein change: p.Val759Ile; replaces valine 759 with isoleucine.
Molecular consequence: missense variant. On other transcripts: non-coding transcript variant (1).
Genome position (GRCh38, 1-based): chr19:50,413,766, G>A. VCF-style: chr19-50413766-G-A. GRCh37 (hg19) VCF-style: chr19-50917023-G-A.
Other names: c.2275G>A, p.Val759Ile (NM_001256849.1); c.2353G>A, p.Val785Ile (NM_001308632.1); short protein forms V759I, V785I.
Identifiers: ClinVar variation 221038 (VCV000221038.83), dbSNP rs145473716, ClinGen allele CA350683.